The following is an entry in ClinVar:

ClinVar aggregate classification (germline): Conflicting classifications of pathogenicity. Review status: criteria provided, conflicting classifications (1 of 4 stars). 5 submissions from 5 submitters: Uncertain significance (2); Benign (1); Likely benign (2). Last evaluated 2025-11-03.

Conditions:
Myopathy, centronuclear, 5 (CNM5). Identifiers: Orphanet 169186, MedGen C4014814, MONDO:0014418, OMIM 615959.

Allele frequency attached by ClinVar (database versions not stated): ESP Exome Variant Server 0.00008; TOPMed 0.00008; gnomAD 0.00009 and 0.00011; 1000 Genomes Project 30x 0.00016; gnomAD exomes 0.00019 and 0.00036; 1000 Genomes Project 0.00020; ExAC 0.00034.
gnomAD v4.1: 295 of 1,606,210 alleles (0.018%); highest among the groups gnomAD compares: South Asian, 0.15%; 3 homozygotes.

Submissions (5):

Labcorp Genetics (formerly Invitae), Labcorp
Classification: Benign. Last evaluated: 2025-11-03. Review status: criteria provided, single submitter. Criteria: Invitae Variant Classification Sherloc (09022015). Collection method: clinical testing. Allele origin: germline.

Revvity Omics, Revvity
Classification: Uncertain significance for Myopathy, centronuclear, 5. Last evaluated: 2025-02-04. Review status: criteria provided, single submitter. Criteria: ACMG Guidelines, 2015. Collection method: clinical testing. Allele origin: germline.

Blueprint Genetics
Classification: Likely benign. Last evaluated: 2024-07-18. Review status: criteria provided, single submitter. Criteria: ACMG Guidelines, 2015. Collection method: clinical testing. Allele origin: germline.

CeGaT Center for Human Genetics Tuebingen
Classification: Likely benign. Last evaluated: 2022-06-01. Review status: criteria provided, single submitter. Criteria: CeGaT Center For Human Genetics Tuebingen Variant Classification Criteria Version 2. Collection method: clinical testing. Allele origin: germline. Affected: yes. Observed: 1 variant allele.
Comment: SPEG: BP4, BS2

GeneDx
Classification: Uncertain significance. Last evaluated: 2017-03-15. Review status: criteria provided, single submitter. Criteria: GeneDx Variant Classification (06012015). Collection method: clinical testing. Allele origin: germline. Affected: yes.
Comment: The G2954S variant in the SPEG gene has not been reported previously as a pathogenic variant, nor as a benign variant, to our knowledge. This variant is observed in 21/14830 (0.14%) alleles from individuals of South Asian background in the ExAC dataset (Lek et al., 2016). The G2954S variant is a non-conservative amino acid substitution, which is likely to impact secondary protein structure as these residues differ in polarity, charge, size and/or other properties. However, this substitution occurs at a position that is not conserved, and in silico analysis predicts this variant likely does not alter the protein structure/function. We interpret G2954S as a variant of uncertain significance.

NM_005876.5(SPEG):c.8860G>A (p.Gly2954Ser)

Genes: ASIC4-AS1 (ASIC4 antisense RNA 1; minus strand), SPEG (striated muscle enriched protein kinase; plus strand). Cytogenetic location: 2q35.
Variant type: single nucleotide variant.
Coding change: c.8860G>A on transcript NM_005876.5 (MANE Select); coding-DNA position 8860, G replaced by A.
Protein change: p.Gly2954Ser; replaces glycine 2954 with serine.
Molecular consequence: missense variant.
Genome position (GRCh38, 1-based): chr2:219,489,878, G>A. VCF-style: chr2-219489878-G-A. GRCh37 (hg19) VCF-style: chr2-220354600-G-A.
Other names: short protein forms G2954S.
Identifiers: ClinVar variation 424132 (VCV000424132.35), dbSNP rs377476081, ClinGen allele CA2127576.